The following is an entry in ClinVar:

ClinVar aggregate classification (germline): Uncertain significance (1 of 4 stars; one submission).

Conditions:
Cystic fibrosis (CF). Also called: MUCOVISCIDOSIS. Identifiers: Orphanet 586, MedGen C0010674, MONDO:0009061, OMIM 219700. Disease mechanism: loss of function.

Submission:

Ambry Genetics
Classification: Uncertain significance for Cystic fibrosis. Last evaluated: 2024-06-25. Review status: criteria provided, single submitter. Criteria: Ambry Variant Classification Scheme 2023. Collection method: clinical testing. Allele origin: germline.
Comment: The c.-2C>A variant is located in the 5' untranslated region (5&rsquo; UTR) of the CFTR gene. This variant results from a C to A substitution 2 bases upstream from the first translated codon. This nucleotide position is well conserved in available vertebrate species. Based on the available evidence, the clinical significance of this variant remains unclear.

NM_000492.4(CFTR):c.-2C>A

Genes: CFTR (CF transmembrane conductance regulator; plus strand), LOC111674463 (CFTR promoter region; plus strand). Cytogenetic location: 7q31.2.
Variant type: single nucleotide variant.
Coding change: c.-2C>A on transcript NM_000492.4 (MANE Select); 2 bases upstream of the start codon, C replaced by A.
Molecular consequence: 5 prime UTR variant.
Genome position (GRCh38, 1-based): chr7:117,480,093, C>A. VCF-style: chr7-117480093-C-A. GRCh37 (hg19) VCF-style: chr7-117120147-C-A.
Identifiers: ClinVar variation 3491614 (VCV003491614.1).